The following is an entry in ClinVar:

ClinVar aggregate classification (germline): Benign. Review status: criteria provided, multiple submitters, no conflicts (2 of 4 stars). 2 submissions from 2 submitters: Benign (2). Last evaluated 2018-06-15.

Allele frequency attached by ClinVar (database versions not stated): 1000 Genomes Project 30x 0.82495; 1000 Genomes Project 0.83027; TOPMed 0.84241; gnomAD 0.84998 and 0.85663.
gnomAD v4.1: 1,307,264 of 1,393,984 alleles (94%); highest among the groups gnomAD compares: South Asian, 97%; 617,586 homozygotes.

Submissions (2):

GeneDx
Classification: Benign. Last evaluated: 2018-06-15. Review status: criteria provided, single submitter. Criteria: GeneDx Variant Classification (06012015). Collection method: clinical testing. Allele origin: germline. Affected: yes.
Comment: This variant is considered likely benign or benign based on one or more of the following criteria: it is a conservative change, it occurs at a poorly conserved position in the protein, it is predicted to be benign by multiple in silico algorithms, and/or has population frequency not consistent with disease.

Breakthrough Genomics
Classification: Benign. Review status: criteria provided, single submitter. Criteria: ACMG Guidelines, 2015. Collection method: not provided. Allele origin: germline. Inheritance: Autosomal dominant inheritance. Affected: yes.

NM_001035.3(RYR2):c.2907-87T>C

Gene: RYR2 (ryanodine receptor 2; plus strand). Cytogenetic location: 1q43.
Variant type: single nucleotide variant.
Coding change: c.2907-87T>C on transcript NM_001035.3 (MANE Select); 87 bases into the intron before coding-DNA position 2907, T replaced by C.
Molecular consequence: intron variant.
Genome position (GRCh38, 1-based): chr1:237,548,344, T>C. VCF-style: chr1-237548344-T-C. GRCh37 (hg19) VCF-style: chr1-237711644-T-C.
Identifiers: ClinVar variation 671749 (VCV000671749.2), dbSNP rs2618661, ClinGen allele CA39810776.